The following is an entry in ClinVar:

ClinVar aggregate classification (germline): Pathogenic/Likely pathogenic. Review status: criteria provided, multiple submitters, no conflicts (2 of 4 stars). 10 submissions from 10 submitters: Pathogenic (3); Likely pathogenic (6). 1 of the submissions does not count toward it. Last evaluated 2026-04-13.

Conditions:
IVD-related disorder. Also called: IVD-related condition.
Isovaleryl-CoA dehydrogenase deficiency (IVA). Also called: Isovaleric acidemia; IVD DEFICIENCY; Classic Isovaleric Acidemia; ISOVALERIC ACID CoA DEHYDROGENASE DEFICIENCY. Identifiers: Orphanet 33, MedGen C0268575, MONDO:0009475, OMIM 243500.

Allele frequency attached by ClinVar (database versions not stated): TOPMed 0.00005.
gnomAD v4.1: 66 of 1,613,542 alleles (0.0041%); highest among the groups gnomAD compares: Non-Finnish European, 0.0054%; no homozygotes.

Submissions (10):

Myriad Genetics, Inc.
Classification: Likely pathogenic for Isovaleryl-CoA dehydrogenase deficiency. Last evaluated: 2026-04-13. Review status: criteria provided, single submitter. Criteria: Myriad Autosomal Dominant, Autosomal Recessive and X-Linked Classification Criteria (2023). Collection method: clinical testing. Allele origin: unknown.
Comment: NM_002225.3(IVD):c.157C>T(R53C) is a missense variant classified as likely pathogenic in the context of isovaleric acidemia. R53C has been observed in cases with relevant disease (PMID: 10677295, 31442447, 39318119). Relevant functional assessments of this variant are available in the literature (PMID: 2063866). R53C has been observed in referenced population frequency databases. In summary, NM_002225.3(IVD):c.157C>T(R53C) is a missense variant that has internal structural support for pathogenicity and has been observed more frequently in cases with the relevant disease than in healthy populations. Please note: this variant was assessed in the context of healthy population screening.

GeneDx
Classification: Likely pathogenic. Last evaluated: 2026-02-24. Review status: criteria provided, single submitter. Criteria: GeneDx Variant Classification Process June 2021. Collection method: clinical testing. Allele origin: germline.
Comment: RNA studies, of variant reported as c.148C>T, demonstrate a damaging effect with skipping of exon 2 (PMID: 10677295); In silico analysis supports that this missense variant has a deleterious effect on protein structure/function; Not observed at significant frequency in large population cohorts (gnomAD); This variant is associated with the following publications: (PMID: 26990548, 2063866, 31442447, 10677295, 27904153, 17027310)

Natera, Inc.
Classification: Pathogenic for Isovaleryl-coa dehydrogenase deficiency. Last evaluated: 2025-06-19. Review status: criteria provided, single submitter. Criteria: Natera Variant Classification Schema (03/2026). Collection method: clinical testing. Allele origin: germline.
Comment: The c.157C>T variant in IVD is a missense variant predicted to cause substitution of arginine to cysteine at amino acid 53. This variant is rare in the general population with a frequency below the threshold expected for the associated phenotype(s). This variant has been observed in one or more individuals affected with the associated recessive disease, as either homozygous or compound heterozygous with a second variant (PMID: 39318119, 10677295, 31442447). Additionally, this variant has been observed to segregate in affected family members (PMID: 39318119). Functional studies show that this variant may disrupt protein function (PMID: 10677295). Computational prediction algorithms indicate this variant is likely to affect gene or protein function. Given the available evidence, this variant is classified as Pathogenic.

PreventionGenetics, part of Exact Sciences
Classification: Pathogenic for IVD-related condition. Last evaluated: 2024-10-11. Review status: criteria provided, single submitter. Criteria: ACMG Guidelines, 2015. Collection method: clinical testing. Allele origin: germline.
Comment: The IVD c.157C>T variant is predicted to result in the amino acid substitution p.Arg53Cys. This variant is alternatively referred to as c.148C>T, p.Arg50Cys or p.Arg21Cys using legacy nomenclature. This variant has been reported in the compound heterozygous state in individuals with isovaleric acidemia (IVA) or atypical IVA (Vockley et al. 2000. PubMed ID: 10677295; Li et al. 2019. PubMed ID: 31442447). This variant has been reported in the compound heterozygous state with segregation of the variant in the heterozygous state in an unaffected sibling in one family and in the homozygous state in individuals with IVA (Internal Data, PreventionGenetics). Functional studies suggested that this variant results in splicing errors that cause the skipping of exon 2 (Vockley et al. 2000. PubMed ID: 10677295). Alternate nucleotide changes affecting the same amino acid (p.Arg53His, p.Arg53Lys, p.Arg53Pro) have been reported in individuals with IVA (see for example, Vockley et al. 2000. PubMed ID: 10677295; Hertecant et al. 2012. PubMed ID: 22960500; Tan et al. 2021. PubMed ID: 34394177). The c.157C>T variant is reported in 0.0028% of alleles in individuals of Latino descent in gnomAD. This variant is interpreted as pathogenic.

Blueprint Genetics
Classification: Likely pathogenic for IVD-related disorders. Last evaluated: 2024-08-06. Review status: criteria provided, single submitter. Criteria: ACMG Guidelines, 2015. Collection method: clinical testing. Allele origin: germline. Affected: yes. Observed: 5 variant alleles.

Labcorp Genetics (formerly Invitae), Labcorp
Classification: Pathogenic for Isovaleryl-CoA dehydrogenase deficiency. Last evaluated: 2024-06-14. Review status: criteria provided, single submitter. Criteria: Invitae Variant Classification Sherloc (09022015). Collection method: clinical testing. Allele origin: germline.
Comment: This sequence change replaces arginine, which is basic and polar, with cysteine, which is neutral and slightly polar, at codon 53 of the IVD protein (p.Arg53Cys). RNA analysis indicates that this missense change induces altered splicing and likely results in a shortened protein product. This variant is present in population databases (rs34695403, gnomAD 0.003%). This missense change has been observed in individuals with isovaleric acidemia (PMID: 10677295, 31442447; Invitae). This variant is also known as 148C>T (Arg21Cys). ClinVar contains an entry for this variant (Variation ID: 3567). An algorithm developed to predict the effect of missense changes on protein structure and function (PolyPhen-2) suggests that this variant is likely to be disruptive. Studies have shown that this missense change results in skipping of exon 2, but is expected to preserve the integrity of the reading-frame (PMID: 2063866, 10677295). For these reasons, this variant has been classified as Pathogenic.

Baylor Genetics
Classification: Likely pathogenic for Isovaleryl-CoA dehydrogenase deficiency. Last evaluated: 2024-03-07. Review status: criteria provided, single submitter. Criteria: ACMG Guidelines, 2015. Collection method: clinical testing. Allele origin: unknown.

Fulgent Genetics
Classification: Likely pathogenic for Isovaleryl-CoA dehydrogenase deficiency. Last evaluated: 2024-02-24. Review status: criteria provided, single submitter. Criteria: ACMG Guidelines, 2015. Collection method: clinical testing. Allele origin: germline.

Women's Health and Genetics/Laboratory Corporation of America, LabCorp
Classification: Likely pathogenic for Isovaleryl-CoA dehydrogenase deficiency. Last evaluated: 2023-10-04. Review status: criteria provided, single submitter. Criteria: LabCorp Variant Classification Summary - May 2015. Collection method: clinical testing. Allele origin: germline.
Comment: Variant summary: IVD c.148C>T (p.Arg50Cys) results in a non-conservative amino acid change in the encoded protein sequence. Four of four in-silico tools predict a damaging effect of the variant on protein function. Consensus agreement among computation tools predict no significant impact on normal splicing. However, at least one publication reports experimental evidence that this variant affects mRNA splicing and causes skipping of exon 2 (Vockley_2000). The variant allele was found at a frequency of 1.2e-05 in 251486 control chromosomes (gnomAD). c.148C>T has been reported in the literature in individuals affected with Isovaleryl-CoA Dehydrogenase Deficiency (Vockley_2000, Li_2019). These data indicate that the variant may be associated with disease. The following publications have been ascertained in the context of this evaluation (PMID: 26990548, 22960500, 17001642, 31442447, 34394177, 10677295). Two submitters have cited clinical-significance assessments for this variant to ClinVar after 2014. All submitters classified the variant as pathogenic/likely pathogenic. Based on the evidence outlined above, the variant was classified as likely pathogenic.

OMIM
Classification: Pathogenic for ISOVALERIC ACIDEMIA. Last evaluated: 2000-02-01. Review status: no assertion criteria provided. Collection method: literature only. Allele origin: germline. Not counted in ClinVar's aggregate classification.

Literature cited by the submitters: PubMed 10677295 (cited by 5 submitters); PubMed 2063866 (cited by Myriad Genetics, Inc. and Labcorp Genetics (formerly Invitae), Labcorp); PubMed 31442447 (cited by 4 submitters); PubMed 39318119 (cited by Myriad Genetics, Inc. and Natera, Inc.); PubMed 26990548 (cited by Women's Health and Genetics/Laboratory Corporation of America, LabCorp); PubMed 17001642 (cited by Women's Health and Genetics/Laboratory Corporation of America, LabCorp); PubMed 22960500 (cited by Women's Health and Genetics/Laboratory Corporation of America, LabCorp); PubMed 34394177 (cited by Women's Health and Genetics/Laboratory Corporation of America, LabCorp).

NM_002225.5(IVD):c.148C>T (p.Arg50Cys)

Gene: IVD (isovaleryl-CoA dehydrogenase; plus strand). Cytogenetic location: 15q15.1.
Variant type: single nucleotide variant.
Coding change: c.148C>T on transcript NM_002225.5 (MANE Select); coding-DNA position 148, C replaced by T.
Protein change: p.Arg50Cys; replaces arginine 50 with cysteine.
Molecular consequence: missense variant. On other transcripts: non-coding transcript variant (1), intron variant (1).
Genome position (GRCh38, 1-based): chr15:40,407,639, C>T. VCF-style: chr15-40407639-C-T. GRCh37 (hg19) VCF-style: chr15-40699840-C-T.
Other names: R21C; c.100C>T, p.Arg34Cys (NM_001354597.3); c.148C>T, p.Arg50Cys (NM_001354598.3, NM_001354599.3, NM_001354600.3 and 1 more transcripts); c.145-300C>T (NM_001159508.3); short protein forms R34C, R50C.
Identifiers: ClinVar variation 3567 (VCV000003567.16), dbSNP rs34695403, ClinGen allele CA252817.
Genomic context (GRCh38, chr15:40,407,639, plus strand): 5'-TGTCTGGGTAGTGGAGATGCTGTCTGCAGTGGCATCTGTTTACCTCTCTCCTATTAGCTT[C>T]GTCAGACCATGGCTAAGTTCCTTCAGGAGCACCTGGCCCCCAAGGCCCAGGAGATCGATC-3'
Protein context (NP_002216.3, residues 40-60): NGLSEEQRQL[Arg50Cys]QTMAKFLQEH